The following is an entry in ClinVar:

NM_032043.3(BRIP1):c.1844G>C (p.Gly615Ala)

Gene: BRIP1 (BRCA1 interacting DNA helicase 1; minus strand). Cytogenetic location: 17q23.2.
Variant type: single nucleotide variant.
Coding change: c.1844G>C on transcript NM_032043.3 (MANE Select); coding-DNA position 1844, G replaced by C.
Protein change: p.Gly615Ala; replaces glycine 615 with alanine.
Molecular consequence: missense variant.
Genome position (GRCh38, 1-based): chr17:61,780,352, C>G on the plus strand (G>C on the coding strand, the complement: BRIP1 is on the minus strand). VCF-style: chr17-61780352-C-G. GRCh37 (hg19) VCF-style: chr17-59857713-C-G.
Other names: short protein forms G615A.
Identifiers: ClinVar variation 3261824 (VCV003261824.1).
Genomic context (GRCh38, chr17:61,780,352, plus strand): 5'-AGCTGGATAGTAAATGTAACACCAAGTTCTGACGAAAAGGATTTCATTGGTGATAATGTA[C>G]CAGATGTCAAAACAATGGTCTGAACTTTGCCATTAATATCTGAAAAGGCCTAAAAGAAAA-3'
Protein context (NP_114432.2, residues 605-625): GKVQTIVLTS[Gly615Ala]TLSPMKSFSS

ClinVar aggregate classification (germline): Uncertain significance (1 of 4 stars; one submission).

Conditions:
Hereditary cancer-predisposing syndrome. Also called: Hereditary Cancer Syndrome; Tumor predisposition; Hereditary neoplastic syndrome; Neoplastic Syndromes, Hereditary. Identifiers: Orphanet 140162, MedGen C0027672, MeSH D009386, MONDO:0015356.

Submission:

Ambry Genetics
Classification: Uncertain significance for Hereditary cancer-predisposing syndrome. Last evaluated: 2024-05-23. Review status: criteria provided, single submitter. Criteria: Ambry Variant Classification Scheme 2023. Collection method: clinical testing. Allele origin: germline.
Comment: The p.G615A variant (also known as c.1844G>C), located in coding exon 12 of the BRIP1 gene, results from a G to C substitution at nucleotide position 1844. The glycine at codon 615 is replaced by alanine, an amino acid with similar properties. This amino acid position is conserved. In addition, the in silico prediction for this alteration is inconclusive. Based on the available evidence, the clinical significance of this variant remains unclear.